The following is an entry in ClinVar:

NM_177438.3(DICER1):c.1017G>C (p.Glu339Asp)

Gene: DICER1 (dicer 1, ribonuclease III; minus strand). Cytogenetic location: 14q32.13.
Variant type: single nucleotide variant.
Coding change: c.1017G>C on transcript NM_177438.3 (MANE Select); coding-DNA position 1017, G replaced by C.
Protein change: p.Glu339Asp; replaces glutamic acid 339 with aspartic acid.
Molecular consequence: missense variant.
Genome position (GRCh38, 1-based): chr14:95,124,555, C>G on the plus strand (G>C on the coding strand, the complement: DICER1 is on the minus strand). VCF-style: chr14-95124555-C-G. GRCh37 (hg19) VCF-style: chr14-95590892-C-G.
Other names: c.1017G>C, p.Glu339Asp (NM_001195573.1, NM_001271282.3, NM_001291628.2 and 1 more transcripts); short protein forms E339D.
Identifiers: ClinVar variation 543625 (VCV000543625.13), dbSNP rs755007541, ClinGen allele CA7331535.
Genomic context (GRCh38, chr14:95,124,555, plus strand): 5'-ACATAGTGCATGTATTTTCCTTAGGAAAGTGTCTGTAAACAATAAAAATTTCCTGTGCAG[C>G]TCCTCTTGCTCATGTTTGATGTATTTCTGTAGTTCTCTTACCATCATTCCAGCTACTTTA-3'
Protein context (NP_803187.1, residues 329-349): LQKYIKHEQE[Glu339Asp]LHRKFLLFTD

ClinVar aggregate classification (germline): Conflicting classifications of pathogenicity. Review status: criteria provided, conflicting classifications (1 of 4 stars). 2 submissions from 2 submitters: Uncertain significance (1); Likely benign (1). Last evaluated 2025-10-10.

Conditions:
Hereditary cancer-predisposing syndrome. Also called: Neoplastic Syndromes, Hereditary; Tumor predisposition; Hereditary Cancer Syndrome; Hereditary neoplastic syndrome. Identifiers: Orphanet 140162, MedGen C0027672, MeSH D009386, MONDO:0015356.
DICER1-related tumor predisposition. Also called: DICER1-related pleuropulmonary blastoma cancer predisposition syndrome; DICER1 syndrome. Identifiers: Orphanet 284343, MedGen C3839822, MONDO:0100216.

Allele frequency attached by ClinVar (database versions not stated): ExAC 0.00001.
gnomAD v4.1: 1 of 1,613,856 alleles (0.000062%); highest among the groups gnomAD compares: African/African-American, 0.0013%; no homozygotes.

Submissions (2):

Ambry Genetics
Classification: Likely benign for Hereditary cancer-predisposing syndrome. Last evaluated: 2025-10-10. Review status: criteria provided, single submitter. Criteria: Ambry Variant Classification Scheme 2023. Collection method: clinical testing. Allele origin: germline.

Labcorp Genetics (formerly Invitae), Labcorp
Classification: Uncertain significance for DICER1-related tumor predisposition. Last evaluated: 2017-12-28. Review status: criteria provided, single submitter. Criteria: Invitae Variant Classification Sherloc (09022015). Collection method: clinical testing. Allele origin: germline.
Comment: This variant has not been reported in the literature in individuals with DICER1-related disease. This variant is present in population databases (rs755007541, ExAC 0.01%). This sequence change replaces glutamic acid with aspartic acid at codon 339 of the DICER1 protein (p.Glu339Asp). The glutamic acid residue is highly conserved and there is a small physicochemical difference between glutamic acid and aspartic acid. Algorithms developed to predict the effect of missense changes on protein structure and function do not agree on the potential impact of this missense change (SIFT: "Tolerated"; PolyPhen-2: "Probably Damaging"; Align-GVGD: "Class C0"). In summary, the available evidence is currently insufficient to determine the role of this variant in disease. Therefore, it has been classified as a Variant of Uncertain Significance.